The following continues an entry in ClinVar:

NM_012452.3(TNFRSF13B):c.310T>C (p.Cys104Arg)

Gene: TNFRSF13B. ClinVar aggregate classification (germline): Conflicting classifications of pathogenicity; risk factor. Pathogenic (21); Likely pathogenic (14); Uncertain significance (3).

Submissions 33 to 46 of 55:

Women's Health and Genetics/Laboratory Corporation of America, LabCorp
Classification: Pathogenic for Common variable immunodeficiency. Last evaluated: 2020-03-31. Review status: criteria provided, single submitter. Criteria: LabCorp Variant Classification Summary - May 2015. Collection method: clinical testing. Allele origin: germline.
Comment: Variant summary: TNFRSF13B c.310T>C (p.Cys104Arg) results in a non-conservative amino acid change located in the TACI, cysteine-rich domain (IPR015384) of the encoded protein sequence. Five of five in-silico tools predict a damaging effect of the variant on protein function. The variant allele was found at a frequency of 0.0035 in 251490 control chromosomes in the gnomAD database, including 3 homozygotes. The observed variant frequency is considerably higher than the estimated maximal expected allele frequency for a pathogenic variant in TNFRSF13B causing Common Variable Immunodeficiency (CVID) phenotype, strongly suggesting that the variant is benign. c.310T>C has been reported in the literature (in heterozygous, compound heterozygous or homozygous state) in multiple individuals affected with CVID. Specifically, in terms of individuals heterozygous for the variant, some are reported with CVID, some are reported with CVID-related symptoms and minor clinical manifestations while a lot of others are reported as healthy without any clinical symptoms (e.g. Abolhassani_2019, Alachkar_2006, Berglund_2006, Castigli_2005, Koopmans_2013, Kralickova_2019, Martinez-Pomar_2009, Poodt_2009, Salzer_2005, Salzer_2009, Speletas_2011, Zhang_2007). Many compound heterozygous and homozygous individuals are reported affected with CVID (e.g. Castigli_2005, de Valles-Ibanez_2018, Koopmans_2013, Maffucci_2016, Martinez-Pomar_2009, Salzer_2005, Salzer_2009, Zhang_2007). Interestingly, among 4 homozygous individuals reported as asymptomatic in two studies, 2 of them were observed with low immunoglobulin plasma levels and 1 with severe hypogammaglobulinemia (Koopmans_2013, Martinez-Pomar_2009). Altogether, these data indicate that the variant is likely to be associated with disease and reveal a continuum spectrum of disease severity, ranging from the absence of clinical symptoms, minor clinical manifestations and moderate to severe forms of CVID. Additional genetic or environmental factors are likely to play a role in disease manifestation. Multiple experimental studies suggest the variant causes significant defects to protein function. Specifically, protein expression and ligand binding were demonstrated to be significantly diminished (Bacchelli_2011, Salzer_2005). Mice heterozygous and homozygous for the equivalent murine mutation (C76R) exhibited significant B-cell dysfunction with splenomegaly, marginal zone B-cell expansion, diminished immunoglobulin production and serological responses to T cell-independent antigen, and abnormal immunoglobulin synthesis (Bacchelli_2011). A study by Martinez-Gallo et al (2013) showed that both, CVID affected individuals and their unaffected family members with the variant in heterozygous or homozygous form, had impaired B-cell TACI expression, reduced ligand binding, and markedly defective upregulation of AID mRNA. The authors concluded that B cells of relatives of subjects with CVID who have mutations in TNFRSF13B but normal immune globulin levels still have detectable in vitro B-cell defects. Eight ClinVar submitters (evaluation after 2014) cite the variant with conflicting interpretations [pathogenic/likely pathogenic (n=3); risk factor (n=1); uncertain significance (n=2); likely benign (n=2)]. Based upon comprehensive review of a large quantity of evidence spanning more than a decade, the variant was classified as a pathogenic risk factor for CVID.

Knight Diagnostic Laboratories, Oregon Health and Sciences University
Classification: Likely pathogenic for Common variable immunodeficiency 2. Last evaluated: 2019-09-06. Review status: criteria provided, single submitter. Criteria: ACMG Guidelines, 2015. Collection method: clinical testing. Allele origin: germline. Observed: 1 variant allele.

Center for Personalized Medicine, Children's Hospital Los Angeles
Classification: Uncertain significance. Last evaluated: 2018-11-19. Review status: criteria provided, single submitter. Criteria: ACMG Guidelines, 2015. Collection method: clinical testing. Allele origin: germline. Affected: yes.

Center of Genomic medicine, Geneva, University Hospital of Geneva
Classification: risk factor for Immunodeficiency, common variable, 2. Last evaluated: 2017-06-07. Review status: criteria provided, single submitter. Criteria: ACMG Guidelines, 2015. Collection method: clinical testing. Allele origin: maternal. Affected: yes.

UCLA Clinical Genomics Center, UCLA
Classification: Likely pathogenic for Common variable immunodeficiency 2. Last evaluated: 2014-07-15. Review status: criteria provided, single submitter. Criteria: Lee et al. (JAMA. 2014). Collection method: clinical testing. Allele origin: germline. Inheritance: Autosomal dominant inheritance. Affected: yes. Study: CES.

Baylor Genetics
Classification: Pathogenic for Immunodeficiency, common variable, 2. Review status: criteria provided, single submitter. Criteria: ACMG Guidelines, 2015. Collection method: clinical testing. Allele origin: unknown.

Center for Genomics, Ann and Robert H. Lurie Children's Hospital of Chicago
Classification: Likely pathogenic for Immunodeficiency, common variable, 2; Immunoglobulin A deficiency 2. Review status: criteria provided, single submitter. Criteria: ACMG Guidelines, 2015. Collection method: clinical testing. Allele origin: germline.
Comment: TNFRSF13B:NM_012452.2:c.310T>C:p.Cys104Arg: This variant has been reported in the literature in numerous individuals with Combined Variable Immune Deficiency (CVID) in the heterozygous, homozygous and compound heterozygous state and is listed as the most common variant reported in association with this condition (Selected Publications: Salzer 2005 PMID:16007087, Berglund 2006 PMID:16630947, Pan-Hammarstrom 2007 PMID:17392797, Barroeta-Seijas 2012 PMID:22697072, Koopmans 2013 PMID:22983507, Martinez-Galllo 2013 PMID:23237420, Rudilla 2019 PMID:31681265). This variant has been identified to segregate with disease in multiple different family members, also in the heterozygous, compound heterozygous and homozygous state. However, this variant has been identified in multiple individuals who do not present with disease (including in the homozygous state) even within the same family, suggesting that this variant has significant reduced penetrance (Koopmans 2013 PMID:22983507, Martinez-Galllo 2013 PMID:23237420). This variant is present in 0.7% (109/15278) of Latino alleles, including 1 homozygote and is present at similar frequencies across different ethnicities in the Genome Aggregation Database. This variant is present in ClinVar, with classifications ranging from Variant of Uncertain Significance (Uncertain significance) to Pathogenic (Variation ID:5302). Evolutionary conservation and computational predictive tools suggest that this variant may impact the protein. Numerous functional studies including mouse models have demonstrated the impact of this variant by reducing expression on the surface of B-cells, impairing bindings with BAFF and APRIL and defective antibody production (Salzer 2005 PMID:16007087, Lee 2010 PMID:20889194, Fried 2011 PMID:21419480, Martinez-Galllo 2013 PMID:23237420). In summary, this variant is classified as likely pathogenic based on extensive studies, but may be best considered in the context of a non-mendelian risk allele.

Clinical Genetics Laboratory, University Hospital Schleswig-Holstein
Classification: Likely pathogenic for Immunodeficiency, common variable, 2. Last evaluated: 2024-10-15. Review status: no assertion criteria provided. Collection method: clinical testing. Allele origin: germline. Affected: yes. Not counted in ClinVar's aggregate classification.

Molecular Genetics Laboratory, BC Children's and BC Women's Hospitals
Classification: Pathogenic for Immunodeficiency, common variable, 2. Last evaluated: 2024-08-13. Review status: no assertion criteria provided. Criteria: ACMG Guidelines, 2015. Collection method: clinical testing. Allele origin: maternal. Affected: yes. Not counted in ClinVar's aggregate classification.

Clinic of Clinical Immunology with Stem Cell Bank, Expert Centre for Rare Diseases - PID, University Hospital "Alexandrovska"
Classification: Likely pathogenic for Immunodeficiency, common variable, 1. Last evaluated: 2022-05-01. Review status: no assertion criteria provided. Collection method: clinical testing. Allele origin: germline. Affected: yes. Not counted in ClinVar's aggregate classification.

Institute for Genomic Statistics and Bioinformatics, University Hospital Bonn
Classification: Likely pathogenic for Severe SARS-CoV-2 infection, susceptibility to. Last evaluated: 2021-03-03. Review status: no assertion criteria provided. Collection method: clinical testing. Allele origin: germline. Inheritance: Autosomal recessive inheritance. Affected: yes. Observed: 1 variant allele, 1 homozygote. Not counted in ClinVar's aggregate classification.

OMIM
Classification: Pathogenic for IMMUNODEFICIENCY, COMMON VARIABLE, 2. Last evaluated: 2007-06-01. Review status: no assertion criteria provided. Collection method: literature only. Allele origin: germline. Not counted in ClinVar's aggregate classification.

OMIM
Classification: Pathogenic for IMMUNOGLOBULIN A DEFICIENCY 2. Last evaluated: 2007-06-01. Review status: no assertion criteria provided. Collection method: literature only. Allele origin: germline. Not counted in ClinVar's aggregate classification.

Clinical Genetics DNA and cytogenetics Diagnostics Lab, Erasmus MC, Erasmus Medical Center
Classification: Likely pathogenic. Review status: no assertion criteria provided. Collection method: clinical testing. Allele origin: germline. Affected: yes. Study: VKGL Data-share Consensus. Not counted in ClinVar's aggregate classification.